The following is an entry in ClinVar:

NM_002739.5(PRKCG):c.234C>T (p.His78=)

Gene: PRKCG (protein kinase C gamma; plus strand). Cytogenetic location: 19q13.42.
Variant type: single nucleotide variant.
Coding change: c.234C>T on transcript NM_002739.5 (MANE Select); coding-DNA position 234, C replaced by T.
Protein change: p.His78=; no amino-acid change (histidine 78 retained).
Molecular consequence: synonymous variant.
Genome position (GRCh38, 1-based): chr19:53,884,192, C>T. VCF-style: chr19-53884192-C-T. GRCh37 (hg19) VCF-style: chr19-54387446-C-T.
Other names: c.234C>T, p.His78= (NM_001316329.2).
Identifiers: ClinVar variation 894617 (VCV000894617.6), dbSNP rs143456958, ClinGen allele CA9640234.
Genomic context (GRCh38, chr19:53,884,192, plus strand): 5'-GTCTGTGTCTCTATGATTTTCATCTATAGTCTGCAGCTTTGTGGTTCATCGACGATGCCA[C>T]GAATTTGTGACCTTCGAGTGTCCAGGCGCTGGGAAGGGCCCCCAGACGGACGTGAGTGCT-3'
Protein context (NP_002730.1, residues 68-88): VCSFVVHRRC[His78=]EFVTFECPGA

ClinVar aggregate classification (germline): Conflicting classifications of pathogenicity. Review status: criteria provided, conflicting classifications (1 of 4 stars). 2 submissions from 2 submitters: Uncertain significance (1); Likely benign (1). Last evaluated 2026-06-01.

Conditions:
Spinocerebellar ataxia type 14 (SCA14). Identifiers: Orphanet 98763, MedGen C1854369, MONDO:0011540, OMIM 605361.

Allele frequency attached by ClinVar (database versions not stated): gnomAD exomes 0.00005 and 0.00007; ExAC 0.00008; gnomAD 0.00010; TOPMed 0.00010; ESP Exome Variant Server 0.00023.
gnomAD v4.1: 87 of 1,614,054 alleles (0.0054%); highest among the groups gnomAD compares: African/African-American, 0.0053%; no homozygotes.

Submissions (2):

CeGaT Center for Human Genetics Tuebingen
Classification: Likely benign. Last evaluated: 2026-06-01. Review status: criteria provided, single submitter. Criteria: CeGaT Center For Human Genetics Tuebingen Variant Classification Criteria Version 2. Collection method: clinical testing. Allele origin: germline. Affected: yes. Observed: 1 variant allele.
Comment: PRKCG: BP4, BP7

Illumina Laboratory Services, Illumina
Classification: Uncertain significance for Spinocerebellar ataxia type 14. Last evaluated: 2018-01-13. Review status: criteria provided, single submitter. Criteria: ICSL Variant Classification Criteria 13 December 2019. Collection method: clinical testing. Allele origin: germline.